The following is an entry in ClinVar:

NM_022132.5(MCCC2):c.789del (p.Asp264fs)

Gene: MCCC2 (methylcrotonyl-CoA carboxylase subunit 2; plus strand). Cytogenetic location: 5q13.2.
Variant type: Deletion.
Coding change: c.789del on transcript NM_022132.5 (MANE Select); coding-DNA position 789, one base deleted (T; older notation c.789delT).
Protein change: p.Asp264fs; shifts the reading frame from aspartic acid 264.
Molecular consequence: frameshift variant.
Genome position (GRCh38, 1-based): chr5:71,632,171, T deleted. VCF-style (leftmost placement, unchanged base first): chr5-71632170-CT-C. GRCh37 (hg19) VCF-style: chr5-70927997-CT-C.
Other names: c.675del, p.Asp226fs (NM_001363147.1); short protein forms D264fs, D226fs.
Identifiers: ClinVar variation 2857446 (VCV002857446.3), dbSNP rs2530821025, ClinGen allele CA2739274762.

ClinVar aggregate classification (germline): Pathogenic (1 of 4 stars; one submission).

Conditions:
3-methylcrotonyl-CoA carboxylase 2 deficiency. Also called: METHYLCROTONYLGLYCINURIA, TYPE II; 3 alpha methylcrotonyl-CoA carboxylase 2 deficiency; 3 alpha methylcrotonylglycinuria 2; MCC 2 deficiency; Methylcrotonylglycinuria type 2. Identifiers: Orphanet 6, MedGen C1859499, MONDO:0008862, OMIM 210210.

Submission:

Labcorp Genetics (formerly Invitae), Labcorp
Classification: Pathogenic for 3-methylcrotonyl-CoA carboxylase 2 deficiency. Last evaluated: 2023-05-24. Review status: criteria provided, single submitter. Criteria: Invitae Variant Classification Sherloc (09022015). Collection method: clinical testing. Allele origin: germline.
Comment: For these reasons, this variant has been classified as Pathogenic. Algorithms developed to predict the effect of sequence changes on RNA splicing suggest that this variant may create or strengthen a splice site. This variant has not been reported in the literature in individuals affected with MCCC2-related conditions. This variant is not present in population databases (gnomAD no frequency). This sequence change creates a premature translational stop signal (p.Asp264Ilefs*9) in the MCCC2 gene. It is expected to result in an absent or disrupted protein product. Loss-of-function variants in MCCC2 are known to be pathogenic (PMID: 11181649, 22642865).

Literature cited by the submitters: PubMed 11181649; PubMed 22642865.